The following is an entry in ClinVar:

ClinVar aggregate classification (germline): Uncertain significance. Review status: criteria provided, multiple submitters, no conflicts (2 of 4 stars). 2 submissions from 2 submitters: Uncertain significance (2). Last evaluated 2026-01-06.

Allele frequency attached by ClinVar (database versions not stated): ExAC 0.00002; gnomAD 0.00002; TOPMed 0.00003.

Submissions (2):

Labcorp Genetics (formerly Invitae), Labcorp
Classification: Uncertain significance. Last evaluated: 2026-01-06. Review status: criteria provided, single submitter. Criteria: Invitae Variant Classification Sherloc (09022015). Collection method: clinical testing. Allele origin: germline.
Comment: This sequence change replaces glutamic acid, which is acidic and polar, with lysine, which is basic and polar, at codon 683 of the IGSF10 protein (p.Glu683Lys). This variant is present in population databases (rs753021169, gnomAD 0.005%). This variant has not been reported in the literature in individuals affected with IGSF10-related conditions. ClinVar contains an entry for this variant (Variation ID: 3108794). An algorithm developed to predict the effect of missense changes on protein structure and function (PolyPhen-2) suggests that this variant is likely to be tolerated. In summary, the available evidence is currently insufficient to determine the role of this variant in disease. Therefore, it has been classified as a Variant of Uncertain Significance.

Ambry Genetics
Classification: Uncertain significance. Last evaluated: 2022-06-09. Review status: criteria provided, single submitter. Criteria: Ambry Variant Classification Scheme 2023. Collection method: clinical testing. Allele origin: germline.

NM_178822.5(IGSF10):c.2047G>A (p.Glu683Lys)

Gene: IGSF10 (immunoglobulin superfamily member 10; minus strand). Cytogenetic location: 3q25.1.
Variant type: single nucleotide variant.
Coding change: c.2047G>A on transcript NM_178822.5 (MANE Select); coding-DNA position 2047, G replaced by A.
Protein change: p.Glu683Lys; replaces glutamic acid 683 with lysine.
Molecular consequence: missense variant.
Genome position (GRCh38, 1-based): chr3:151,447,934, C>T on the plus strand (G>A on the coding strand, the complement: IGSF10 is on the minus strand). VCF-style: chr3-151447934-C-T. GRCh37 (hg19) VCF-style: chr3-151165722-C-T.
Other names: c.2047G>A, p.Glu683Lys (NM_001385060.1, NM_001385061.1, NM_001385062.1 and 1 more transcripts); short protein forms E683K.
Identifiers: ClinVar variation 3108794 (VCV003108794.2), dbSNP rs753021169, ClinGen allele CA2670424.